The following is an entry in ClinVar:

NM_001330260.2(SCN8A):c.545T>C (p.Phe182Ser)

Gene: SCN8A (sodium voltage-gated channel alpha subunit 8; plus strand). Cytogenetic location: 12q13.13.
Variant type: single nucleotide variant.
Coding change: c.545T>C on transcript NM_001330260.2 (MANE Select); coding-DNA position 545, T replaced by C.
Protein change: p.Phe182Ser; replaces phenylalanine 182 with serine.
Molecular consequence: missense variant.
Genome position (GRCh38, 1-based): chr12:51,687,150, T>C. VCF-style: chr12-51687150-T-C. GRCh37 (hg19) VCF-style: chr12-52080934-T-C.
Other names: c.545T>C, p.Phe182Ser (NM_001177984.3, NM_001369788.1, NM_014191.4); short protein forms F182S.
Identifiers: ClinVar variation 3781223 (VCV003781223.1).

ClinVar aggregate classification (germline): Uncertain significance (1 of 4 stars; one submission).

Submission:

GeneDx
Classification: Uncertain significance. Last evaluated: 2024-10-16. Review status: criteria provided, single submitter. Criteria: GeneDx Variant Classification Process June 2021. Collection method: clinical testing. Allele origin: germline. Affected: yes.
Comment: Not observed at significant frequency in large population cohorts (gnomAD); In silico analysis supports that this missense variant has a deleterious effect on protein structure/function; Has not been previously published as pathogenic or benign to our knowledge; This substitution is predicted to be within the intracellular loop between the S2 and S3 transmembrane segments of the first homologous domain